The following is an entry in ClinVar:

NM_015340.4(LARS2):c.1178C>A (p.Ala393Asp)

Genes: LARS2 (leucyl-tRNA synthetase 2, mitochondrial; plus strand), LARS2-AS1 (LARS2 antisense RNA 1; minus strand). Cytogenetic location: 3p21.31.
Variant type: single nucleotide variant.
Coding change: c.1178C>A on transcript NM_015340.4 (MANE Select); coding-DNA position 1178, C replaced by A.
Protein change: p.Ala393Asp; replaces alanine 393 with aspartic acid.
Molecular consequence: missense variant.
Genome position (GRCh38, 1-based): chr3:45,488,751, C>A. VCF-style: chr3-45488751-C-A. GRCh37 (hg19) VCF-style: chr3-45530243-C-A.
Other names: c.1178C>A, p.Ala393Asp (NM_001368263.1); short protein forms A393D.
Identifiers: ClinVar variation 667121 (VCV000667121.43), dbSNP rs138121304, ClinGen allele CA2349536.

ClinVar aggregate classification (germline): Conflicting classifications of pathogenicity. Review status: criteria provided, conflicting classifications (1 of 4 stars). 8 submissions from 7 submitters: Uncertain significance (4); Likely benign (3). 1 of the submissions does not count toward it. Last evaluated 2024-01-19.

Conditions:
Hydrops-lactic acidosis-sideroblastic anemia-multisystemic failure syndrome. Also called: Hydrops, lactic acidosis, and sideroblastic anemia. Identifiers: Orphanet 528091, MedGen C4310761, MONDO:0014869, OMIM 617021.
LARS2-related disorder. Also called: LARS2-related condition.
Perrault syndrome 4 (PRLTS4). Identifiers: Orphanet 2855, MedGen C3809105, MONDO:0014126, OMIM 615300.

Allele frequency attached by ClinVar (database versions not stated): TOPMed 0.00014; ExAC 0.00018; gnomAD exomes 0.00018; gnomAD 0.00027 and 0.00029; ESP Exome Variant Server 0.00046; 1000 Genomes Project 0.00060; 1000 Genomes Project 30x 0.00062.
gnomAD v4.1: 257 of 1,613,920 alleles (0.016%); highest among the groups gnomAD compares: Admixed American, 0.07%; no homozygotes.

Submissions (8):

Blueprint Genetics
Classification: Uncertain significance. Last evaluated: 2024-01-19. Review status: criteria provided, single submitter. Criteria: ACMG Guidelines, 2015. Collection method: clinical testing. Allele origin: germline.

Labcorp Genetics (formerly Invitae), Labcorp
Classification: Uncertain significance. Last evaluated: 2023-12-28. Review status: criteria provided, single submitter. Criteria: Invitae Variant Classification Sherloc (09022015). Collection method: clinical testing. Allele origin: germline.
Comment: This sequence change replaces alanine, which is neutral and non-polar, with aspartic acid, which is acidic and polar, at codon 393 of the LARS2 protein (p.Ala393Asp). This variant is present in population databases (rs138121304, gnomAD 0.2%). This variant has not been reported in the literature in individuals affected with LARS2-related conditions. ClinVar contains an entry for this variant (Variation ID: 667121). Advanced modeling of protein sequence and biophysical properties (such as structural, functional, and spatial information, amino acid conservation, physicochemical variation, residue mobility, and thermodynamic stability) performed at Invitae indicates that this missense variant is not expected to disrupt LARS2 protein function with a negative predictive value of 80%. In summary, the available evidence is currently insufficient to determine the role of this variant in disease. Therefore, it has been classified as a Variant of Uncertain Significance.

CeGaT Center for Human Genetics Tuebingen
Classification: Likely benign. Last evaluated: 2023-02-01. Review status: criteria provided, single submitter. Criteria: CeGaT Center For Human Genetics Tuebingen Variant Classification Criteria Version 2. Collection method: clinical testing. Allele origin: germline. Affected: yes. Observed: 1 variant allele.
Comment: LARS2: BP4

Baylor Genetics
Classification: Uncertain significance for Perrault syndrome 4. Last evaluated: 2022-07-25. Review status: criteria provided, single submitter. Criteria: ACMG Guidelines, 2015. Collection method: clinical testing. Allele origin: unknown.

Baylor Genetics
Classification: Uncertain significance for Hydrops-lactic acidosis-sideroblastic anemia-multisystemic failure syndrome. Last evaluated: 2022-07-25. Review status: criteria provided, single submitter. Criteria: ACMG Guidelines, 2015. Collection method: clinical testing. Allele origin: unknown.

GeneDx
Classification: Likely benign. Last evaluated: 2021-08-12. Review status: criteria provided, single submitter. Criteria: GeneDx Variant Classification Process June 2021. Collection method: clinical testing. Allele origin: germline. Affected: yes.

Laboratory for Molecular Medicine, Mass General Brigham Personalized Medicine
Classification: Likely benign. Last evaluated: 2018-05-21. Review status: criteria provided, single submitter. Criteria: LMM Criteria. Collection method: clinical testing. Allele origin: germline. Observed: 1 variant allele.
Comment: The p.Ala393Asp variant in LARS2 has not been previously reported in individuals with hearing loss but has been identified in 0.2% (20/10152) of Ashkenazi Jewis h chromosomes by the Genome Aggregation Database (gnomAD; dbSNP rs138121304). Although this variant has been seen in the gener al population, its frequency is not high enough to rule out a pathogenic role. C omputational prediction tools and conservation analysis do not suggest an impact to the protein, though these analyses are not accurate enough to rule out patho genicity. In summary, the evidence suggests this varaint is likely benign. ACMG/ AMP criteria applied: BS1_Supporting, BP4.

PreventionGenetics, part of Exact Sciences
Classification: Likely benign for LARS2-related condition. Last evaluated: 2023-11-19. Review status: no assertion criteria provided. Collection method: clinical testing. Allele origin: germline. Not counted in ClinVar's aggregate classification.
Comment: This variant is classified as likely benign based on ACMG/AMP sequence variant interpretation guidelines (Richards et al. 2015 PMID: 25741868, with internal and published modifications).